The following is an entry in ClinVar:

ClinVar aggregate classification (germline): Conflicting classifications of pathogenicity. Review status: criteria provided, conflicting classifications (1 of 4 stars). 8 submissions from 8 submitters: Uncertain significance (1); Likely benign (6). 1 of the submissions does not count toward it. Last evaluated 2026-01-28.

Conditions:
TTN-related disorder. Also called: TTN-related condition; TTN-related disease; TTN-related disorders.
Cardiovascular phenotype. Identifiers: MedGen CN230736.
Autosomal recessive limb-girdle muscular dystrophy type 2J (LGMDR10). Also called: Limb-girdle muscular dystrophy, type 2J; MUSCULAR DYSTROPHY, LIMB-GIRDLE, AUTOSOMAL RECESSIVE 10. Identifiers: Orphanet 140922, MedGen C1837342, MONDO:0012127, OMIM 608807.
Dilated cardiomyopathy 1G (CMD1G). Identifiers: Orphanet 154, MedGen C1858763, MONDO:0011400, OMIM 604145.

Allele frequency attached by ClinVar (database versions not stated): gnomAD exomes 0.00002 and 0.00004; ExAC 0.00006; gnomAD 0.00024 and 0.00026; TOPMed 0.00031; ESP Exome Variant Server 0.00041.
gnomAD v4.1: 62 of 1,612,644 alleles (0.0038%); highest among the groups gnomAD compares: African/African-American, 0.069%; no homozygotes.

Submissions (8):

Labcorp Genetics (formerly Invitae), Labcorp
Classification: Likely benign for Dilated cardiomyopathy 1G; Autosomal recessive limb-girdle muscular dystrophy type 2J. Last evaluated: 2026-01-28. Review status: criteria provided, single submitter. Criteria: Invitae Variant Classification Sherloc (09022015). Collection method: clinical testing. Allele origin: germline.

Athena Diagnostics
Classification: Likely benign. Last evaluated: 2025-03-25. Review status: criteria provided, single submitter. Criteria: Athena Diagnostics Criteria. Collection method: clinical testing. Allele origin: unknown.
Comment: The frequency of this variant in the general population is higher than would generally be expected for pathogenic variants in this gene. Computational tools yielded predictions that this variant is unlikely to have an effect on normal RNA splicing. This nucleotide position exhibits low evolutionary conservation.

Blueprint Genetics
Classification: Likely benign. Last evaluated: 2024-08-06. Review status: criteria provided, single submitter. Criteria: ACMG Guidelines, 2015. Collection method: clinical testing. Allele origin: germline.

Ambry Genetics
Classification: Likely benign for Cardiovascular phenotype. Last evaluated: 2022-05-09. Review status: criteria provided, single submitter. Criteria: Ambry Variant Classification Scheme 2023. Collection method: clinical testing. Allele origin: germline.

GeneDx
Classification: Likely benign. Last evaluated: 2018-12-04. Review status: criteria provided, single submitter. Criteria: GeneDx Variant Classification Process June 2021. Collection method: clinical testing. Allele origin: germline. Affected: yes.

Eurofins Ntd Llc (ga)
Classification: Uncertain significance. Last evaluated: 2017-11-27. Review status: criteria provided, single submitter. Criteria: EGL Classification Definitions 2015. Collection method: clinical testing. Allele origin: germline. Observed: 4 variant alleles, 4 heterozygotes.

Laboratory for Molecular Medicine, Mass General Brigham Personalized Medicine
Classification: Likely benign. Last evaluated: 2012-03-19. Review status: criteria provided, single submitter. Criteria: LMM Criteria. Collection method: clinical testing. Allele origin: germline. Observed: 1 variant allele.
Comment: 49559-4C>T in intron 242 of TTN: This variant is not expected to have clinical s ignificance because it is not located within the splice consensus sequence. It h as been identified in 0.1% (3/3188) of African American chromosomes from a broad population by the NHLBI Exome Sequencing Project (EVS). 49559-4C>T in intron 242 of TTN (allele frequency = 0.1%, 3/3188) **

PreventionGenetics, part of Exact Sciences
Classification: Likely benign for TTN-related condition. Last evaluated: 2021-02-01. Review status: no assertion criteria provided. Collection method: clinical testing. Allele origin: germline. Not counted in ClinVar's aggregate classification.
Comment: This variant is classified as likely benign based on ACMG/AMP sequence variant interpretation guidelines (Richards et al. 2015 PMID: 25741868, with internal and published modifications).

NM_001267550.2(TTN):c.57263-4C>T

Genes: TTN (titin; minus strand), TTN-AS1 (TTN antisense RNA 1; plus strand). Cytogenetic location: 2q31.2.
Variant type: single nucleotide variant.
Coding change: c.57263-4C>T on transcript NM_001267550.2 (MANE Select); 4 bases into the intron before coding-DNA position 57263, C replaced by T.
Molecular consequence: intron variant.
Genome position (GRCh38, 1-based): chr2:178,597,823, G>A on the plus strand (C>T on the coding strand, the complement: TTN is on the minus strand). VCF-style: chr2-178597823-G-A. GRCh37 (hg19) VCF-style: chr2-179462550-G-A.
Other names: c.30068-4C>T (NM_003319.4); c.30644-4C>T (NM_133437.4); c.30443-4C>T (NM_133432.3); c.49559-4C>T (NM_133378.4); c.52340-4C>T (NM_001256850.1); c.57263-4C>T (NM_001267550.1).
Identifiers: ClinVar variation 165954 (VCV000165954.28), dbSNP rs373552048, ClinGen allele CA178678.